The following is an entry in ClinVar:

ClinVar aggregate classification (germline): Uncertain significance (1 of 4 stars; one submission).

Conditions:
Autosomal recessive nonsyndromic hearing loss 66 (DFNB66). Also called: Deafness, autosomal recessive 66. Identifiers: Orphanet 90636, MedGen C1857750, MONDO:0012442, OMIM 610212.
Isolated neonatal sclerosing cholangitis (NSC). Also called: Sclerosing cholangitis, neonatal. Identifiers: Orphanet 480556, MedGen C4479344, MONDO:0018816, OMIM 617394.

Submission:

Labcorp Genetics (formerly Invitae), Labcorp
Classification: Uncertain significance for Autosomal recessive nonsyndromic hearing loss 66; Isolated neonatal sclerosing cholangitis. Last evaluated: 2022-10-17. Review status: criteria provided, single submitter. Criteria: Invitae Variant Classification Sherloc (09022015). Collection method: clinical testing. Allele origin: germline.
Comment: In summary, the available evidence is currently insufficient to determine the role of this variant in disease. Therefore, it has been classified as a Variant of Uncertain Significance. Advanced modeling of protein sequence and biophysical properties (such as structural, functional, and spatial information, amino acid conservation, physicochemical variation, residue mobility, and thermodynamic stability) performed at Invitae indicates that this missense variant is not expected to disrupt DCDC2 protein function. This variant has not been reported in the literature in individuals affected with DCDC2-related conditions. This variant is not present in population databases (gnomAD no frequency). This sequence change replaces lysine, which is basic and polar, with glutamic acid, which is acidic and polar, at codon 296 of the DCDC2 protein (p.Lys296Glu).

NM_016356.5(DCDC2):c.886A>G (p.Lys296Glu)

Gene: DCDC2 (doublecortin domain containing 2; minus strand). Cytogenetic location: 6p22.3.
Variant type: single nucleotide variant.
Coding change: c.886A>G on transcript NM_016356.5 (MANE Select); coding-DNA position 886, A replaced by G.
Protein change: p.Lys296Glu; replaces lysine 296 with glutamic acid.
Molecular consequence: missense variant.
Genome position (GRCh38, 1-based): chr6:24,278,085, T>C on the plus strand (A>G on the coding strand, the complement: DCDC2 is on the minus strand). VCF-style: chr6-24278085-T-C. GRCh37 (hg19) VCF-style: chr6-24278313-T-C.
Other names: c.886A>G, p.Lys296Glu (NM_001195610.2); short protein forms K296E.
Identifiers: ClinVar variation 1982632 (VCV001982632.4), dbSNP rs2532365821, ClinGen allele CA363277923.